The following is an entry in ClinVar:

NM_080424.4(SP110):c.1900G>A (p.Gly634Ser)

Gene: SP110 (SP110 nuclear body protein; minus strand). Cytogenetic location: 2q37.1.
Variant type: single nucleotide variant.
Coding change: c.1900G>A on transcript NM_080424.4 (MANE Select); coding-DNA position 1900, G replaced by A.
Protein change: p.Gly634Ser; replaces glycine 634 with serine.
Molecular consequence: missense variant. On other transcripts: intron variant (1).
Genome position (GRCh38, 1-based): chr2:230,170,749, C>T on the plus strand (G>A on the coding strand, the complement: SP110 is on the minus strand). VCF-style: chr2-230170749-C-T. GRCh37 (hg19) VCF-style: chr2-231035465-C-T.
Other names: c.1918G>A, p.Gly640Ser (NM_001378444.1); c.1846G>A, p.Gly616Ser (NM_001378445.1); c.1828G>A, p.Gly610Ser (NM_004509.5); c.1833+1317G>A (NM_001378446.1); c.1996G>A, p.Gly666Ser (NM_001378442.1); c.1978G>A, p.Gly660Ser (NM_001378443.1); short protein forms G610S, G640S, G666S, G616S, G634S, G660S.
Identifiers: ClinVar variation 849959 (VCV000849959.7), dbSNP rs200027337, ClinGen allele CA2154300.

ClinVar aggregate classification (germline): Uncertain significance (1 of 4 stars; one submission).

Conditions:
Hepatic veno-occlusive disease-immunodeficiency syndrome. Also called: Hepatic Veno-Occlusive Disease with Immunodeficiency. Identifiers: Orphanet 79124, MedGen C1856128, MONDO:0009338, OMIM 235550. Disease mechanism: loss of function.

Allele frequency attached by ClinVar (database versions not stated): ExAC 0.00001; gnomAD 0.00001; TOPMed 0.00001; gnomAD exomes 0.00002 and 0.00003.
gnomAD v4.1: 39 of 1,613,942 alleles (0.0024%); highest among the groups gnomAD compares: Non-Finnish European, 0.0031%; no homozygotes.

Submission:

Labcorp Genetics (formerly Invitae), Labcorp
Classification: Uncertain significance for Hepatic veno-occlusive disease-immunodeficiency syndrome. Last evaluated: 2023-11-27. Review status: criteria provided, single submitter. Criteria: Invitae Variant Classification Sherloc (09022015). Collection method: clinical testing. Allele origin: germline.
Comment: This sequence change replaces glycine, which is neutral and non-polar, with serine, which is neutral and polar, at codon 610 of the SP110 protein (p.Gly610Ser). This variant is present in population databases (rs200027337, gnomAD 0.003%). This variant has not been reported in the literature in individuals affected with SP110-related conditions. ClinVar contains an entry for this variant (Variation ID: 849959). Algorithms developed to predict the effect of missense changes on protein structure and function output the following: SIFT: "Not Available"; PolyPhen-2: "Probably Damaging"; Align-GVGD: "Not Available". The serine amino acid residue is found in multiple mammalian species, which suggests that this missense change does not adversely affect protein function. In summary, the available evidence is currently insufficient to determine the role of this variant in disease. Therefore, it has been classified as a Variant of Uncertain Significance.